The following is an entry in ClinVar:

ClinVar aggregate classification (germline): Uncertain significance (1 of 4 stars; one submission).

Allele frequency attached by ClinVar (database versions not stated): gnomAD 0.00001; gnomAD exomes 0.00002 and 0.00007; TOPMed 0.00003; ExAC 0.00008.
gnomAD v4.1: 33 of 1,611,840 alleles (0.002%); highest among the groups gnomAD compares: Admixed American, 0.025%; no homozygotes.

Submissions (2):

Labcorp Genetics (formerly Invitae), Labcorp
Classification: Uncertain significance. Last evaluated: 2021-11-08. Review status: criteria provided, single submitter. Criteria: Invitae Variant Classification Sherloc (09022015). Collection method: clinical testing. Allele origin: germline.
Comment: This sequence change replaces glycine, which is neutral and non-polar, with arginine, which is basic and polar, at codon 857 of the HSPG2 protein (p.Gly857Arg). This variant is present in population databases (rs770438141, gnomAD 0.03%). This variant has not been reported in the literature in individuals affected with HSPG2-related conditions. Algorithms developed to predict the effect of missense changes on protein structure and function are either unavailable or do not agree on the potential impact of this missense change (SIFT: "Deleterious"; PolyPhen-2: "Probably Damaging"; Align-GVGD: "Class C0"). Algorithms developed to predict the effect of sequence changes on RNA splicing suggest that this variant may create or strengthen a splice site. In summary, the available evidence is currently insufficient to determine the role of this variant in disease. Therefore, it has been classified as a Variant of Uncertain Significance.

Dr. Peter K. Rogan Lab, Western University
No classification provided (evidence only). Condition: Thyroid cancer, nonmedullary, 1. Review status: no classification provided. Collection method: in vitro. Allele origin: not applicable. Functional consequence: retained intron. Not counted in ClinVar's aggregate classification.

NM_005529.7(HSPG2):c.2569G>A (p.Gly857Arg)

Gene: HSPG2 (heparan sulfate proteoglycan 2; minus strand). Cytogenetic location: 1p36.12.
Variant type: single nucleotide variant.
Coding change: c.2569G>A on transcript NM_005529.7 (MANE Select); coding-DNA position 2569, G replaced by A.
Protein change: p.Gly857Arg; replaces glycine 857 with arginine.
Molecular consequence: missense variant.
Genome position (GRCh38, 1-based): chr1:21,878,481, C>T on the plus strand (G>A on the coding strand, the complement: HSPG2 is on the minus strand). VCF-style: chr1-21878481-C-T. GRCh37 (hg19) VCF-style: chr1-22204974-C-T.
Other names: c.2572G>A, p.Gly858Arg (NM_001291860.2); short protein forms G858R, G857R.
Identifiers: ClinVar variation 1461543 (VCV001461543.4), dbSNP rs770438141, ClinGen allele CA672990.